The following is an entry in ClinVar:

NC_000017.10:g.(?_29422055)_(29497035_?)del

Gene: NF1 (neurofibromin 1; plus strand). Cytogenetic location: 17q11.2.
Variant type: Deletion.
Identifiers: ClinVar variation 2422746 (VCV002422746.3).

ClinVar aggregate classification (germline): Pathogenic (1 of 4 stars; one submission).

Conditions:
Neurofibromatosis, type 1 (NF1). Also called: Peripheral type neurofibromatosis; VON RECKLINGHAUSEN DISEASE; NEUROFIBROMATOSIS, TYPE I, SOMATIC; Neurofibromatosis, type I. Identifiers: Orphanet 636, MedGen C0027831, MONDO:0018975, OMIM 162200. Disease mechanism: loss of function.

Submission:

Labcorp Genetics (formerly Invitae), Labcorp
Classification: Pathogenic for Neurofibromatosis, type 1. Last evaluated: 2022-08-06. Review status: criteria provided, single submitter. Criteria: Invitae Variant Classification Sherloc (09022015). Collection method: clinical testing. Allele origin: germline.
Comment: This variant is a gross deletion of the genomic region encompassing exon(s) 1-5 of the NF1 gene, which includes the initiator codon. This deletion extends beyond the assayed region for this gene and therefore may encompass additional genes. It is expected to result in an absent or disrupted protein product. Loss-of-function variants in NF1 are known to be pathogenic (PMID: 10712197, 23913538). This variant has not been reported in the literature in individuals affected with NF1-related conditions. For these reasons, this variant has been classified as Pathogenic.

Literature cited by the submitters: PubMed 10712197; PubMed 23913538.